The following is an entry in ClinVar:

NM_001348768.2(HECW2):c.401C>G (p.Pro134Arg)

Gene: HECW2 (HECT, C2 and WW domain containing E3 ubiquitin protein ligase 2; minus strand). Cytogenetic location: 2q32.3.
Variant type: single nucleotide variant.
Coding change: c.401C>G on transcript NM_001348768.2 (MANE Select); coding-DNA position 401, C replaced by G.
Protein change: p.Pro134Arg; replaces proline 134 with arginine.
Molecular consequence: missense variant. On other transcripts: 5 prime UTR variant (1).
Genome position (GRCh38, 1-based): chr2:196,334,518, G>C on the plus strand (C>G on the coding strand, the complement: HECW2 is on the minus strand). VCF-style: chr2-196334518-G-C. GRCh37 (hg19) VCF-style: chr2-197199242-G-C.
Other names: NP_001335697.1:p.(Pro134Arg); c.-496C>G (NM_001304840.3); c.401C>G, p.Pro134Arg (NM_020760.4); short protein forms P134R.
Identifiers: ClinVar variation 4851544 (VCV004851544.1).

ClinVar aggregate classification (germline): Uncertain significance (1 of 4 stars; one submission).

Conditions:
Developmental and epileptic encephalopathy. Identifiers: MedGen C5779964, MONDO:0100620.

gnomAD v4.1: 9 of 1,589,998 alleles (0.00057%); highest among the groups gnomAD compares: Non-Finnish European, 0.00069%; no homozygotes.

Submission:

Unidad de Genómica Garrahan, Hospital de Pediatría Garrahan
Classification: Uncertain significance for Developmental and epileptic encephalopathy. Last evaluated: 2023-01-01. Review status: criteria provided, single submitter. Criteria: ACMG Guidelines, 2015. Collection method: clinical testing. Allele origin: maternal. Affected: yes. Observed: 1 variant allele.
Comment: ACMG/AMP criteria applied: PM2, PP2. Potential impact on splicing of exon 4 (first base of the exon). Variable intrafamilial expressivity described for this gene.

Literature cited by the submitters: PubMed 40879666.